The following is an entry in ClinVar:

ClinVar aggregate classification (germline): Uncertain significance. Review status: criteria provided, multiple submitters, no conflicts (2 of 4 stars). 2 submissions from 2 submitters: Uncertain significance (2). Last evaluated 2023-11-09.

Conditions:
Inborn genetic diseases. Identifiers: MedGen C0950123, MeSH D030342.

Allele frequency attached by ClinVar (database versions not stated): ExAC 0.00006; 1000 Genomes Project 30x 0.00016.
gnomAD v4.1: 28 of 1,612,490 alleles (0.0017%); highest among the groups gnomAD compares: East Asian, 0.051%; no homozygotes.

Submissions (2):

Ambry Genetics
Classification: Uncertain significance for Inborn genetic diseases. Last evaluated: 2023-11-09. Review status: criteria provided, single submitter. Criteria: Ambry Variant Classification Scheme 2023. Collection method: clinical testing. Allele origin: germline.

Labcorp Genetics (formerly Invitae), Labcorp
Classification: Uncertain significance. Last evaluated: 2022-03-13. Review status: criteria provided, single submitter. Criteria: Invitae Variant Classification Sherloc (09022015). Collection method: clinical testing. Allele origin: germline.
Comment: In summary, the available evidence is currently insufficient to determine the role of this variant in disease. Therefore, it has been classified as a Variant of Uncertain Significance. Algorithms developed to predict the effect of sequence changes on RNA splicing suggest that this variant may create or strengthen a splice site. Algorithms developed to predict the effect of missense changes on protein structure and function (SIFT, PolyPhen-2, Align-GVGD) all suggest that this variant is likely to be tolerated. This variant has not been reported in the literature in individuals affected with AP3D1-related conditions. This variant is present in population databases (rs752015429, gnomAD 0.1%), and has an allele count higher than expected for a pathogenic variant. This sequence change replaces arginine, which is basic and polar, with glutamine, which is neutral and polar, at codon 556 of the AP3D1 protein (p.Arg556Gln).

NM_001261826.3(AP3D1):c.1667G>A (p.Arg556Gln)

Gene: AP3D1 (adaptor related protein complex 3 subunit delta 1; minus strand). Cytogenetic location: 19p13.3.
Variant type: single nucleotide variant.
Coding change: c.1667G>A on transcript NM_001261826.3 (MANE Select); coding-DNA position 1667, G replaced by A.
Protein change: p.Arg556Gln; replaces arginine 556 with glutamine.
Molecular consequence: missense variant.
Genome position (GRCh38, 1-based): chr19:2,118,647, C>T on the plus strand (G>A on the coding strand, the complement: AP3D1 is on the minus strand). VCF-style: chr19-2118647-C-T. GRCh37 (hg19) VCF-style: chr19-2118646-C-T.
Other names: c.1667G>A, p.Arg556Gln (NM_001374799.1, NM_003938.8); c.1667G>A (NM_003938.5); short protein forms R556Q.
Identifiers: ClinVar variation 2152503 (VCV002152503.5), dbSNP rs752015429, ClinGen allele CA9059246.